The following is an entry in ClinVar:

ClinVar aggregate classification (germline): Uncertain significance. Review status: criteria provided, multiple submitters, no conflicts (2 of 4 stars). 3 submissions from 3 submitters: Uncertain significance (2). 1 of the submissions does not count toward it. Last evaluated 2026-09-18.

Conditions:
Cohen syndrome (COH1). Also called: PEPPER SYNDROME; Cutis verticis gyrata, retinitis pigmentosa, and sensorineural deafness. Identifiers: Orphanet 193, MedGen C0265223, MONDO:0008999, OMIM 216550.
VPS13B-related disorder. Also called: VPS13B-related condition.

Allele frequency attached by ClinVar (database versions not stated): gnomAD exomes below 0.00001; TOPMed below 0.00001; ExAC 0.00001; gnomAD 0.00001.
gnomAD v4.1: 9 of 1,613,936 alleles (0.00056%); highest among the groups gnomAD compares: East Asian, 0.0022%; no homozygotes.

Submissions (3):

PreventionGenetics, part of Exact Sciences
Classification: Uncertain significance for VPS13B-related condition. Last evaluated: 2026-09-18. Review status: criteria provided, single submitter. Criteria: ACMG Guidelines, 2015. Collection method: clinical testing. Allele origin: germline.
Comment: The VPS13B c.10927G>A variant is predicted to result in the amino acid substitution p.Gly3643Arg. To our knowledge, this variant has not been reported in the literature. This variant is reported in 0.0054% of alleles in individuals of East Asian descent in gnomAD. At this time, the clinical significance of this variant is uncertain due to the absence of conclusive functional and genetic evidence.

Labcorp Genetics (formerly Invitae), Labcorp
Classification: Uncertain significance for Cohen syndrome. Last evaluated: 2022-06-08. Review status: criteria provided, single submitter. Criteria: Invitae Variant Classification Sherloc (09022015). Collection method: clinical testing. Allele origin: germline.
Comment: This sequence change replaces glycine, which is neutral and non-polar, with arginine, which is basic and polar, at codon 3668 of the VPS13B protein (p.Gly3668Arg). This variant is present in population databases (rs778657622, gnomAD 0.006%). This variant has not been reported in the literature in individuals affected with VPS13B-related conditions. ClinVar contains an entry for this variant (Variation ID: 969742). Algorithms developed to predict the effect of missense changes on protein structure and function are either unavailable or do not agree on the potential impact of this missense change (SIFT: "Not Available"; PolyPhen-2: "Probably Damaging"; Align-GVGD: "Not Available"). In summary, the available evidence is currently insufficient to determine the role of this variant in disease. Therefore, it has been classified as a Variant of Uncertain Significance.

Natera, Inc.
Classification: Uncertain significance for Cohen syndrome. Last evaluated: 2021-06-04. Review status: no assertion criteria provided. Collection method: clinical testing. Allele origin: germline. Not counted in ClinVar's aggregate classification.

NM_152564.5(VPS13B):c.10927G>A (p.Gly3643Arg)

Gene: VPS13B (vacuolar protein sorting 13 homolog B; plus strand). Cytogenetic location: 8q22.2.
Variant type: single nucleotide variant.
Coding change: c.10927G>A on transcript NM_152564.5 (MANE Select); coding-DNA position 10927, G replaced by A.
Protein change: p.Gly3643Arg; replaces glycine 3643 with arginine.
Molecular consequence: missense variant.
Genome position (GRCh38, 1-based): chr8:99,859,363, G>A. VCF-style: chr8-99859363-G-A. GRCh37 (hg19) VCF-style: chr8-100871591-G-A.
Other names: c.10927G>A (NM_152564.4); c.11002G>A, p.Gly3668Arg (NM_017890.5); short protein forms G3643R, G3668R.
Identifiers: ClinVar variation 969742 (VCV000969742.8), dbSNP rs778657622, ClinGen allele CA4825070.
Genomic context (GRCh38, chr8:99,859,363, plus strand): 5'-GGCTGGGTAGTTGGGTCTCTGGATATTCTTGGCAGCCCTGCAAGCCTGGTGAGAAGCATC[G>A]GGAACGGGGTCGCCGACTTCTTCAGGCTTCCGTATGAGGGGCTGACCCGGGGCCCTGGAG-3'
Protein context (NP_689777.3, residues 3633-3653): GSPASLVRSI[Gly3643Arg]NGVADFFRLP